The following is an entry in ClinVar:

NM_006133.3(DAGLA):c.380A>G (p.Asn127Ser)

Gene: DAGLA (diacylglycerol lipase alpha; plus strand). Cytogenetic location: 11q12.2.
Variant type: single nucleotide variant.
Coding change: c.380A>G on transcript NM_006133.3 (MANE Select); coding-DNA position 380, A replaced by G.
Protein change: p.Asn127Ser; replaces asparagine 127 with serine.
Molecular consequence: missense variant.
Genome position (GRCh38, 1-based): chr11:61,722,931, A>G. VCF-style: chr11-61722931-A-G. GRCh37 (hg19) VCF-style: chr11-61490403-A-G.
Other names: short protein forms N127S.
Identifiers: ClinVar variation 3030816 (VCV003030816.3), dbSNP rs2065296298, ClinGen allele CA380694166.

ClinVar aggregate classification (germline): Uncertain significance. Review status: criteria provided, single submitter (1 of 4 stars). 2 submissions from 2 submitters: Uncertain significance (1). 1 of the submissions does not count toward it. Last evaluated 2025-10-21.

Conditions:
Inborn genetic diseases. Identifiers: MedGen C0950123, MeSH D030342.
DAGLA-related disorder. Also called: DAGLA-related condition.

Allele frequency attached by ClinVar (database versions not stated): gnomAD exomes below 0.00001; TOPMed below 0.00001.
gnomAD v4.1: 1 of 1,614,074 alleles (0.000062%); highest among the groups gnomAD compares: Non-Finnish European, 0.000085%; no homozygotes.

Submissions (2):

Ambry Genetics
Classification: Uncertain significance for Inborn genetic diseases. Last evaluated: 2025-10-21. Review status: criteria provided, single submitter. Criteria: Ambry Variant Classification Scheme 2023. Collection method: clinical testing. Allele origin: germline.

PreventionGenetics, part of Exact Sciences
Classification: Uncertain significance for DAGLA-related condition. Last evaluated: 2023-12-01. Review status: no assertion criteria provided. Collection method: clinical testing. Allele origin: germline. Not counted in ClinVar's aggregate classification.
Comment: The DAGLA c.380A>G variant is predicted to result in the amino acid substitution p.Asn127Ser. To our knowledge, this variant has not been reported in the literature or in a large population database, indicating this variant is rare. At this time, the clinical significance of this variant is uncertain due to the absence of conclusive functional and genetic evidence.